The following is an entry in ClinVar:

NM_003718.5(CDK13):c.748AGC[6] (p.Ser254_Gly255insSer)

Gene: CDK13 (cyclin dependent kinase 13; plus strand). Cytogenetic location: 7p14.1.
Variant type: Microsatellite.
Coding change: c.748AGC[6] on transcript NM_003718.5 (MANE Select); six copies in a row of the 3-base unit AGC starting at c.748; the reference has five copies in a row; one copy, 3 bases duplicated.
Protein change: p.Ser254_Gly255insSer.
Molecular consequence: inframe indel (on NM_031267.4).
Genome position (GRCh38, 1-based): chr7:39,951,401-39,951,403, AGC duplicated; duplicating any 3 consecutive bases within chr7:39,951,387-39,951,403 gives the same sequence; the position shown is the placement nearest the transcript's 3' end. VCF-style (leftmost placement, unchanged base first): chr7-39951386-G-GGCA. GRCh37 (hg19) VCF-style: chr7-39990985-G-GGCA.
Other names: c.748_750AGC[6], p.Ser254_Gly255insSer (NM_031267.4).
Identifiers: ClinVar variation 1050682 (VCV001050682.4), dbSNP rs746568580, ClinGen allele CA574230815.

ClinVar aggregate classification (germline): Benign. Review status: criteria provided, single submitter (1 of 4 stars). 2 submissions from 2 submitters: Benign (1). 1 of the submissions does not count toward it. Last evaluated 2025-08-11.

Submissions (2):

Labcorp Genetics (formerly Invitae), Labcorp
Classification: Benign. Last evaluated: 2025-08-11. Review status: criteria provided, single submitter. Criteria: Invitae Variant Classification Sherloc (09022015). Collection method: clinical testing. Allele origin: germline.

Department of Pathology and Laboratory Medicine, Sinai Health System
Classification: Uncertain significance. Review status: no assertion criteria provided. Collection method: clinical testing. Allele origin: unknown. Affected: yes. Study: The Canadian Open Genetics Repository (COGR). Not counted in ClinVar's aggregate classification.
Comment: The CDK13 p.(Ser254dup) variant was not identified in the literature nor was it identified in the ClinVar, Cosmic, MutDB or LOVD 3.0 databases. The variant was identified in dbSNP (ID: rs1240122278) and in control databases in 8 of 135088 chromosomes at a frequency of 0.000059 (Genome Aggregation Database Feb 27, 2017). The variant was observed in the following populations: East Asian in 6 of 7776 chromosomes (freq: 0.000772), other in 1 of 4136 chromosomes (freq: 0.000242) and European (non-Finnish) in 1 of 53730 chromosomes (freq: 0.000019); it not observed in the African, Latino, Ashkenazi Jewish, European (Finnish) and South Asian populations. This variant is an in-frame insertion resulting in the duplication of a serine (ser) residue at codon 254; the impact of this alteration on CDK13 protein function is not known. In summary, based on the above information the clinical significance of this variant cannot be determined with certainty at this time. This variant is classified as a variant of uncertain significance.